The following is an entry in ClinVar:

ClinVar aggregate classification (germline): Likely benign (1 of 4 stars; one submission).

gnomAD v4.1: 17 of 1,542,988 alleles (0.0011%); highest among the groups gnomAD compares: Admixed American, 0.022%; no homozygotes.

Submission:

CeGaT Center for Human Genetics Tuebingen
Classification: Likely benign. Last evaluated: 2026-01-01. Review status: criteria provided, single submitter. Criteria: CeGaT Center For Human Genetics Tuebingen Variant Classification Criteria Version 2. Collection method: clinical testing. Allele origin: germline. Affected: yes. Observed: 1 variant allele.
Comment: FIGLA: BP4, BP7

NM_001004311.3(FIGLA):c.142C>A (p.Arg48=)

Gene: FIGLA (folliculogenesis specific bHLH transcription factor; minus strand). Cytogenetic location: 2p13.3.
Variant type: single nucleotide variant.
Coding change: c.142C>A on transcript NM_001004311.3 (MANE Select); coding-DNA position 142, C replaced by A.
Protein change: p.Arg48=; no amino-acid change (arginine 48 retained).
Molecular consequence: synonymous variant.
Genome position (GRCh38, 1-based): chr2:70,790,497, G>T on the plus strand (C>A on the coding strand, the complement: FIGLA is on the minus strand). VCF-style: chr2-70790497-G-T. GRCh37 (hg19) VCF-style: chr2-71017629-G-T.
Identifiers: ClinVar variation 4822112 (VCV004822112.4).